The following is an entry in ClinVar:

NM_001243133.2(NLRP3):c.2452G>T (p.Val818Leu)

Gene: NLRP3 (NLR family pyrin domain containing 3; plus strand). Cytogenetic location: 1q44.
Variant type: single nucleotide variant.
Coding change: c.2452G>T on transcript NM_001243133.2 (MANE Select); coding-DNA position 2452, G replaced by T.
Protein change: p.Val818Leu; replaces valine 818 with leucine.
Molecular consequence: missense variant.
Genome position (GRCh38, 1-based): chr1:247,434,233, G>T. VCF-style: chr1-247434233-G-T. GRCh37 (hg19) VCF-style: chr1-247597535-G-T.
Other names: c.2452G>T, p.Val818Leu (NM_001079821.3, NM_001127461.3); c.2281G>T, p.Val761Leu (NM_001127462.3, NM_183395.3); c.2458G>T, p.Val820Leu (NM_004895.5); short protein forms V761L, V818L, V820L.
Identifiers: ClinVar variation 2072489 (VCV002072489.4), dbSNP rs771466885, ClinGen allele CA345561326.

ClinVar aggregate classification (germline): Uncertain significance (1 of 4 stars; one submission).

Conditions:
Cryopyrin associated periodic syndrome (CAPS). Identifiers: Orphanet 208650, MedGen C2316212, MONDO:0016168.

Submission:

Labcorp Genetics (formerly Invitae), Labcorp
Classification: Uncertain significance for Cryopyrin associated periodic syndrome. Last evaluated: 2022-07-12. Review status: criteria provided, single submitter. Criteria: Invitae Variant Classification Sherloc (09022015). Collection method: clinical testing. Allele origin: germline.
Comment: This sequence change replaces valine, which is neutral and non-polar, with leucine, which is neutral and non-polar, at codon 820 of the NLRP3 protein (p.Val820Leu). This variant is not present in population databases (gnomAD no frequency). This variant has not been reported in the literature in individuals affected with NLRP3-related conditions. Algorithms developed to predict the effect of missense changes on protein structure and function (SIFT, PolyPhen-2, Align-GVGD) all suggest that this variant is likely to be tolerated. In summary, the available evidence is currently insufficient to determine the role of this variant in disease. Therefore, it has been classified as a Variant of Uncertain Significance.